The following is an entry in ClinVar:

ClinVar aggregate classification (germline): Pathogenic/Likely pathogenic. Review status: criteria provided, multiple submitters, no conflicts (2 of 4 stars). 3 submissions from 3 submitters: Pathogenic (1); Likely pathogenic (1). 1 of the submissions does not count toward it. Last evaluated 2024-04-18.

Conditions:
Congenital generalized lipodystrophy type 4. Also called: BERARDINELLI-SEIP CONGENITAL LIPODYSTROPHY, TYPE 4, WITH MUSCULAR DYSTROPHY. Identifiers: Orphanet 228429, MedGen C2750069, MONDO:0013225, OMIM 613327.

Submissions (3):

GeneDx
Classification: Likely pathogenic. Last evaluated: 2024-04-18. Review status: criteria provided, single submitter. Criteria: GeneDx Variant Classification Process June 2021. Collection method: clinical testing. Allele origin: germline. Affected: yes.
Comment: Frameshift variant predicted to result in abnormal protein length as the last 218 amino acids are replaced with 100 different amino acids, and other similar variants have been reported in HGMD; This variant is associated with the following publications: (PMID: 30476128, 32467771, 20684003)

Revvity Omics, Revvity
Classification: Pathogenic for Congenital generalized lipodystrophy type 4. Last evaluated: 2019-10-20. Review status: criteria provided, single submitter. Criteria: ACMG Guidelines, 2015. Collection method: clinical testing. Allele origin: germline.

OMIM
Classification: Pathogenic for LIPODYSTROPHY, CONGENITAL GENERALIZED, TYPE 4. Last evaluated: 2010-09-01. Review status: no assertion criteria provided. Collection method: literature only. Allele origin: germline. Not counted in ClinVar's aggregate classification.

Literature cited by the submitters: PubMed 18698612 (cited by OMIM); PubMed 20684003 (cited by OMIM).

NM_012232.6(CAVIN1):c.518_521del (p.Lys173fs)

Gene: CAVIN1 (caveolae associated protein 1; minus strand). Cytogenetic location: 17q21.2.
Variant type: Deletion.
Coding change: c.518_521del on transcript NM_012232.6 (MANE Select); coding-DNA positions 518 to 521, 4 bases deleted (AAGA; older notation c.518_521delAAGA).
Protein change: p.Lys173fs; shifts the reading frame from lysine 173.
Molecular consequence: frameshift variant.
Genome position (GRCh38, 1-based): chr17:42,405,339-42,405,342, TCTT deleted on the plus strand (AAGA on the coding strand, the reverse complement: CAVIN1 is on the minus strand); deleting any 4 consecutive bases within chr17:42,405,339-42,405,344 gives the same sequence; the c. name uses the placement nearest the transcript's 3' end. VCF-style (leftmost placement, unchanged base first): chr17-42405338-CTCTT-C. GRCh37 (hg19) VCF-style: chr17-40557356-CTCTT-C.
Other names: c.518_521delAAGA (NM_012232.5); short protein forms K173fs.
Identifiers: ClinVar variation 30329 (VCV000030329.7), dbSNP rs1207466199, ClinGen allele CA626218377.